The following is an entry in ClinVar:

ClinVar aggregate classification (germline): Likely benign (0 of 4 stars; one submission).

Conditions:
CUX2-related disorder. Also called: CUX2-related condition.

gnomAD v4.1: 17 of 1,614,042 alleles (0.0011%); highest among the groups gnomAD compares: Admixed American, 0.005%; no homozygotes.

Submission:

PreventionGenetics, part of Exact Sciences
Classification: Likely benign for CUX2-related condition. Last evaluated: 2019-06-04. Review status: no assertion criteria provided. Collection method: clinical testing. Allele origin: germline.
Comment: This variant is classified as likely benign based on ACMG/AMP sequence variant interpretation guidelines (Richards et al. 2015 PMID: 25741868, with internal and published modifications).

NM_015267.4(CUX2):c.1752G>A (p.Ser584=)

Gene: CUX2 (cut like homeobox 2; plus strand). Cytogenetic location: 12q24.12.
Variant type: single nucleotide variant.
Coding change: c.1752G>A on transcript NM_015267.4 (MANE Select); coding-DNA position 1752, G replaced by A.
Protein change: p.Ser584=; no amino-acid change (serine 584 retained).
Molecular consequence: synonymous variant.
Genome position (GRCh38, 1-based): chr12:111,310,534, G>A. VCF-style: chr12-111310534-G-A. GRCh37 (hg19) VCF-style: chr12-111748338-G-A.
Other names: c.1566G>A, p.Ser522= (NM_001370598.1).
Identifiers: ClinVar variation 3044360 (VCV003044360.2), dbSNP rs539297356, ClinGen allele CA6788720.
Genomic context (GRCh38, chr12:111,310,534, plus strand): 5'-GCAGCTGCTGAAACACAACATCGGGCAGCGGGTGTTTGGGCATTACGTGCTGGGGCTGTC[G>A]CAGGGCTCGGTCAGCGAGATCCTAGCCCGGCCCAAGCCCTGGCGCAAGCTCACGGTGAAG-3'
Protein context (NP_056082.2, residues 574-594): RVFGHYVLGL[Ser584=]QGSVSEILAR